The following is an entry in ClinVar:

ClinVar aggregate classification (germline): Uncertain significance (1 of 4 stars; one submission).

Allele frequency attached by ClinVar (database versions not stated): gnomAD exomes below 0.00001.
gnomAD v4.1: 2 of 1,614,196 alleles (0.00012%); highest among the groups gnomAD compares: South Asian, 0.0022%; no homozygotes.

Submission:

Laboratory for Molecular Medicine, Mass General Brigham Personalized Medicine
Classification: Uncertain significance. Last evaluated: 2019-08-28. Review status: criteria provided, single submitter. Criteria: LMM Criteria. Collection method: clinical testing. Allele origin: germline. Observed: 1 variant allele.
Comment: The p.Pro592Leu variant in CDC14A has not been previously reported in individuals with hearing loss but has been identified in 0.003% (1/30612) of South Asian chromosomes by gnomAD. Computational prediction tools and conservation analysis suggest that this variant may not impact the protein, though this information is not predictive enough to rule out pathogenicity. In summary, the clinical significance of this variant is uncertain. ACMG/AMP Criteria applied: PM2, BP4.

NM_003672.4(CDC14A):c.1755+20C>T

Gene: CDC14A (cell division cycle 14A; plus strand). Cytogenetic location: 1p21.2.
Variant type: single nucleotide variant.
Coding change: c.1755+20C>T on transcript NM_003672.4 (MANE Select); 20 bases into the intron after coding-DNA position 1755, C replaced by T.
Molecular consequence: intron variant. On other transcripts: missense variant (3).
Genome position (GRCh38, 1-based): chr1:100,499,282, C>T. VCF-style: chr1-100499282-C-T. GRCh37 (hg19) VCF-style: chr1-100964838-C-T.
Other names: c.1601C>T, p.Pro534Leu (NM_001319211.2); c.896C>T, p.Pro299Leu (NM_001319212.2); c.1775C>T, p.Pro592Leu (NM_033312.3); c.1755+20C>T (NM_001319210.2); short protein forms P299L, P592L, P534L.
Identifiers: ClinVar variation 930065 (VCV000930065.4), dbSNP rs1252516734, ClinGen allele CA341357379.